The following is an entry in ClinVar:

ClinVar aggregate classification (germline): Uncertain significance (1 of 4 stars; one submission).

Conditions:
Fanconi anemia complementation group E (FANCE). Also called: FANCE-Related Fanconi Anemia. Identifiers: Orphanet 84, MedGen C3160739, MONDO:0010953, OMIM 600901.

Allele frequency attached by ClinVar (database versions not stated): TOPMed below 0.00001; ExAC 0.00001.

Submission:

Labcorp Genetics (formerly Invitae), Labcorp
Classification: Uncertain significance for Fanconi anemia complementation group E. Last evaluated: 2021-06-16. Review status: criteria provided, single submitter. Criteria: Invitae Variant Classification Sherloc (09022015). Collection method: clinical testing. Allele origin: germline.
Comment: This sequence change falls in intron 8 of the FANCE gene. It does not directly change the encoded amino acid sequence of the FANCE protein. It affects a nucleotide within the consensus splice site of the intron. This variant is present in population databases (rs763606597, ExAC 0.002%). This variant has not been reported in the literature in individuals with FANCE-related conditions. Nucleotide substitutions within the consensus splice site are a relatively common cause of aberrant splicing (PMID: 17576681, 9536098). Algorithms developed to predict the effect of sequence changes on RNA splicing suggest that this variant is not likely to affect RNA splicing, but this prediction has not been confirmed by published transcriptional studies. In summary, the available evidence is currently insufficient to determine the role of this variant in disease. Therefore, it has been classified as a Variant of Uncertain Significance.

Literature cited by the submitters: PubMed 17576681; PubMed 9536098.

NM_021922.3(FANCE):c.1383+6C>G

Gene: FANCE (FA complementation group E; plus strand). Cytogenetic location: 6p21.31.
Variant type: single nucleotide variant.
Coding change: c.1383+6C>G on transcript NM_021922.3 (MANE Select); 6 bases into the intron after coding-DNA position 1383, C replaced by G.
Molecular consequence: intron variant.
Genome position (GRCh38, 1-based): chr6:35,460,624, C>G. VCF-style: chr6-35460624-C-G. GRCh37 (hg19) VCF-style: chr6-35428401-C-G.
Identifiers: ClinVar variation 1373106 (VCV001373106.3), dbSNP rs763606597, ClinGen allele CA3771693.